The following is an entry in ClinVar:

ClinVar aggregate classification (germline): Uncertain significance. Review status: criteria provided, multiple submitters, no conflicts (2 of 4 stars). 2 submissions from 2 submitters: Uncertain significance (2). Last evaluated 2024-06-18.

Conditions:
Hereditary cancer-predisposing syndrome. Also called: Hereditary Cancer Syndrome; Tumor predisposition; Neoplastic Syndromes, Hereditary; Hereditary neoplastic syndrome. Identifiers: Orphanet 140162, MedGen C0027672, MeSH D009386, MONDO:0015356.
Multiple endocrine neoplasia, type 1 (MEN1). Also called: Endocrine adenomatosis multiple; MEN 1; MEA I; MEN I; WERMER SYNDROME. Identifiers: Orphanet 652, MedGen C0025267, MeSH D018761, MONDO:0007540, OMIM 131100.

Submissions (2):

Ambry Genetics
Classification: Uncertain significance for Hereditary cancer-predisposing syndrome. Last evaluated: 2024-06-18. Review status: criteria provided, single submitter. Criteria: Ambry Variant Classification Scheme 2023. Collection method: clinical testing. Allele origin: germline.
Comment: The p.R98Q variant (also known as c.293G>A), located in coding exon 1 of the MEN1 gene, results from a G to A substitution at nucleotide position 293. The arginine at codon 98 is replaced by glutamine, an amino acid with highly similar properties. This amino acid position is highly conserved in available vertebrate species. In addition, this alteration is predicted to be deleterious by in silico analysis. Based on the available evidence, the clinical significance of this variant remains unclear.

Labcorp Genetics (formerly Invitae), Labcorp
Classification: Uncertain significance for Multiple endocrine neoplasia, type 1. Last evaluated: 2023-02-14. Review status: criteria provided, single submitter. Criteria: Invitae Variant Classification Sherloc (09022015). Collection method: clinical testing. Allele origin: germline.
Comment: In summary, the available evidence is currently insufficient to determine the role of this variant in disease. Therefore, it has been classified as a Variant of Uncertain Significance. Advanced modeling of protein sequence and biophysical properties (such as structural, functional, and spatial information, amino acid conservation, physicochemical variation, residue mobility, and thermodynamic stability) performed at Invitae indicates that this missense variant is expected to disrupt MEN1 protein function. ClinVar contains an entry for this variant (Variation ID: 652895). This variant has not been reported in the literature in individuals affected with MEN1-related conditions. This variant is not present in population databases (gnomAD no frequency). This sequence change replaces arginine, which is basic and polar, with glutamine, which is neutral and polar, at codon 98 of the MEN1 protein (p.Arg98Gln).

NM_001370259.2(MEN1):c.293G>A (p.Arg98Gln)

Gene: MEN1 (menin 1; minus strand). Cytogenetic location: 11q13.1.
Variant type: single nucleotide variant.
Coding change: c.293G>A on transcript NM_001370259.2 (MANE Select); coding-DNA position 293, G replaced by A.
Protein change: p.Arg98Gln; replaces arginine 98 with glutamine.
Molecular consequence: missense variant.
Genome position (GRCh38, 1-based): chr11:64,809,817, C>T on the plus strand (G>A on the coding strand, the complement: MEN1 is on the minus strand). VCF-style: chr11-64809817-C-T. GRCh37 (hg19) VCF-style: chr11-64577289-C-T.
Other names: c.293G>A, p.Arg98Gln (NM_130800.3, NM_130801.3, NM_130802.3 and 9 more transcripts); short protein forms R98Q.
Identifiers: ClinVar variation 652895 (VCV000652895.9), dbSNP rs1592658694, ClinGen allele CA381187466.